The following is an entry in ClinVar:

ClinVar aggregate classification (germline): Uncertain significance. Review status: criteria provided, multiple submitters, no conflicts (2 of 4 stars). 2 submissions from 2 submitters: Uncertain significance (2). Last evaluated 2025-03-07.

Conditions:
Hereditary cancer-predisposing syndrome. Also called: Hereditary neoplastic syndrome; Neoplastic Syndromes, Hereditary; Hereditary Cancer Syndrome; Tumor predisposition. Identifiers: Orphanet 140162, MedGen C0027672, MeSH D009386, MONDO:0015356.
EGFR-related lung cancer (EGFR). Identifiers: MedGen CN130014.

Submissions (2):

Ambry Genetics
Classification: Uncertain significance for Hereditary cancer-predisposing syndrome. Last evaluated: 2025-03-07. Review status: criteria provided, single submitter. Criteria: Ambry Variant Classification Scheme 2023. Collection method: clinical testing. Allele origin: germline.
Comment: The p.V786L variant (also known as c.2356G>T), located in coding exon 20 of the EGFR gene, results from a G to T substitution at nucleotide position 2356. The valine at codon 786 is replaced by leucine, an amino acid with highly similar properties. This amino acid position is highly conserved in available vertebrate species. In addition, the in silico prediction for this alteration is inconclusive. Based on the available evidence, the clinical significance of this variant remains unclear.

Labcorp Genetics (formerly Invitae), Labcorp
Classification: Uncertain significance for EGFR-related lung cancer. Last evaluated: 2024-04-09. Review status: criteria provided, single submitter. Criteria: Invitae Variant Classification Sherloc (09022015). Collection method: clinical testing. Allele origin: germline.
Comment: This sequence change replaces valine, which is neutral and non-polar, with leucine, which is neutral and non-polar, at codon 786 of the EGFR protein (p.Val786Leu). This variant is not present in population databases (gnomAD no frequency). This variant has not been reported in the literature in individuals affected with EGFR-related conditions. Advanced modeling of protein sequence and biophysical properties (such as structural, functional, and spatial information, amino acid conservation, physicochemical variation, residue mobility, and thermodynamic stability) performed at Invitae indicates that this missense variant is not expected to disrupt EGFR protein function with a negative predictive value of 80%. In summary, the available evidence is currently insufficient to determine the role of this variant in disease. Therefore, it has been classified as a Variant of Uncertain Significance.

NM_005228.5(EGFR):c.2356G>T (p.Val786Leu)

Genes: EGFR-AS1 (EGFR antisense RNA 1; minus strand), EGFR (epidermal growth factor receptor; plus strand). Cytogenetic location: 7p11.2.
Variant type: single nucleotide variant.
Coding change: c.2356G>T on transcript NM_005228.5 (MANE Select); coding-DNA position 2356, G replaced by T.
Protein change: p.Val786Leu; replaces valine 786 with leucine.
Molecular consequence: missense variant. On other transcripts: non-coding transcript variant (1).
Genome position (GRCh38, 1-based): chr7:55,181,365, G>T. VCF-style: chr7-55181365-G-T. GRCh37 (hg19) VCF-style: chr7-55249058-G-T.
Other names: c.2221G>T, p.Val741Leu (NM_001346897.2, NM_001346899.2); c.2356G>T, p.Val786Leu (NM_001346898.2); c.2197G>T, p.Val733Leu (NM_001346900.2); c.1555G>T, p.Val519Leu (NM_001346941.2); short protein forms V733L, V786L, V519L, V741L.
Identifiers: ClinVar variation 3714837 (VCV003714837.3).